The following is an entry in ClinVar:

ClinVar aggregate classification (germline): Uncertain significance. Review status: criteria provided, multiple submitters, no conflicts (2 of 4 stars). 5 submissions from 5 submitters: Uncertain significance (4). 1 of the submissions does not count toward it. Last evaluated 2025-01-24.

Conditions:
Glycogen storage disease type III (GSD3). Also called: FORBES DISEASE; Cori disease. Identifiers: Orphanet 366, MedGen C0017922, MONDO:0009291, OMIM 232400.

Allele frequency attached by ClinVar (database versions not stated): gnomAD exomes 0.00001; gnomAD 0.00002; TOPMed 0.00002.

Submissions (5):

Mayo Clinic Laboratories, Mayo Clinic
Classification: Uncertain significance. Last evaluated: 2025-01-24. Review status: criteria provided, single submitter. Criteria: ACMG Guidelines, 2015. Collection method: clinical testing. Allele origin: germline. Observed: 1 variant allele.
Comment: PM2_supporting

Labcorp Genetics (formerly Invitae), Labcorp
Classification: Uncertain significance for Glycogen storage disease type III. Last evaluated: 2022-08-21. Review status: criteria provided, single submitter. Criteria: Invitae Variant Classification Sherloc (09022015). Collection method: clinical testing. Allele origin: germline.
Comment: This sequence change replaces proline, which is neutral and non-polar, with serine, which is neutral and polar, at codon 294 of the AGL protein (p.Pro294Ser). This variant is present in population databases (no rsID available, gnomAD 0.007%). This variant has not been reported in the literature in individuals affected with AGL-related conditions. ClinVar contains an entry for this variant (Variation ID: 291328). Algorithms developed to predict the effect of missense changes on protein structure and function are either unavailable or do not agree on the potential impact of this missense change (SIFT: "Tolerated"; PolyPhen-2: "Possibly Damaging"; Align-GVGD: "Class C0"). Algorithms developed to predict the effect of sequence changes on RNA splicing suggest that this variant may disrupt the consensus splice site. In summary, the available evidence is currently insufficient to determine the role of this variant in disease. Therefore, it has been classified as a Variant of Uncertain Significance.

Genome-Nilou Lab
Classification: Uncertain significance for Glycogen storage disease type III. Last evaluated: 2021-07-15. Review status: criteria provided, single submitter. Criteria: ACMG Guidelines, 2015. Collection method: clinical testing. Allele origin: germline. Affected: no.

Illumina Laboratory Services, Illumina
Classification: Uncertain significance for Glycogen storage disease type III. Last evaluated: 2018-01-13. Review status: criteria provided, single submitter. Criteria: ICSL Variant Classification Criteria 13 December 2019. Collection method: clinical testing. Allele origin: germline.

Natera, Inc.
Classification: Uncertain significance for Glycogen storage disease type III. Last evaluated: 2020-01-17. Review status: no assertion criteria provided. Collection method: clinical testing. Allele origin: germline. Not counted in ClinVar's aggregate classification.

NM_000642.3(AGL):c.880C>T (p.Pro294Ser)

Gene: AGL (amylo-alpha-1,6-glucosidase and 4-alpha-glucanotransferase; plus strand). Cytogenetic location: 1p21.2.
Variant type: single nucleotide variant.
Coding change: c.880C>T on transcript NM_000642.3 (MANE Select); coding-DNA position 880, C replaced by T.
Protein change: p.Pro294Ser; replaces proline 294 with serine.
Molecular consequence: missense variant.
Genome position (GRCh38, 1-based): chr1:99,870,791, C>T. VCF-style: chr1-99870791-C-T. GRCh37 (hg19) VCF-style: chr1-100336347-C-T.
Other names: p.Pro294Ser; c.832C>T, p.Pro278Ser (NM_000646.3); c.880C>T, p.Pro294Ser (NM_001425325.1, NM_001425326.1, NM_001425327.1 and 3 more transcripts); c.676C>T, p.Pro226Ser (NM_001425328.1, NM_001425329.1); c.502C>T, p.Pro168Ser (NM_001425332.1); short protein forms P294S, P278S, P168S, P226S.
Identifiers: ClinVar variation 291328 (VCV000291328.14), dbSNP rs886044917, ClinGen allele CA10610489.
Genomic context (GRCh38, chr1:99,870,791, plus strand): 5'-TATTTTTTAACTATTGACATTTTTCAGTCCATCCGAAAAATAATTTGGGAGGATATTTTT[C>T]CAAAGCTTAAACTCTGGGAATTTTTCCAAGTAGATGTCAACAAAGCGGTTGAGCAATTTA-3'
Protein context (NP_000633.2, residues 284-304): IRKIIWEDIF[Pro294Ser]KLKLWEFFQV